The following is an entry in ClinVar:

NM_033380.3(COL4A5):c.4364C>T (p.Pro1455Leu)

Gene: COL4A5 (collagen type IV alpha 5 chain; plus strand). Cytogenetic location: Xq22.3.
Variant type: single nucleotide variant.
Coding change: c.4364C>T on transcript NM_033380.3 (MANE Select); coding-DNA position 4364, C replaced by T.
Protein change: p.Pro1455Leu; replaces proline 1455 with leucine.
Molecular consequence: missense variant.
Genome position (GRCh38, 1-based): chrX:108,687,530, C>T. VCF-style: chrX-108687530-C-T. GRCh37 (hg19) VCF-style: chrX-107930760-C-T.
Other names: c.4346C>T (NM_000495.3); c.4346C>T, p.Pro1449Leu (NM_000495.5); short protein forms P1449L, P1455L.
Identifiers: ClinVar variation 1982100 (VCV001982100.3), dbSNP rs1173319955, ClinGen allele CA413854080.

ClinVar aggregate classification (germline): Uncertain significance. Review status: criteria provided, multiple submitters, no conflicts (2 of 4 stars). 2 submissions from 2 submitters: Uncertain significance (2). Last evaluated 2025-06-12.

Conditions:
Inborn genetic diseases. Identifiers: MedGen C0950123, MeSH D030342.

Allele frequency attached by ClinVar (database versions not stated): TOPMed 0.00002.

Submissions (2):

Labcorp Genetics (formerly Invitae), Labcorp
Classification: Uncertain significance. Last evaluated: 2025-06-12. Review status: criteria provided, single submitter. Criteria: Invitae Variant Classification Sherloc (09022015). Collection method: clinical testing. Allele origin: germline.
Comment: This sequence change replaces proline, which is neutral and non-polar, with leucine, which is neutral and non-polar, at codon 1449 of the COL4A5 protein (p.Pro1449Leu). This variant is present in population databases (no rsID available, gnomAD 0.02%). This variant has not been reported in the literature in individuals affected with COL4A5-related conditions. ClinVar contains an entry for this variant (Variation ID: 1982100). Invitae Evidence Modeling of protein sequence and biophysical properties (such as structural, functional, and spatial information, amino acid conservation, physicochemical variation, residue mobility, and thermodynamic stability) indicates that this missense variant is not expected to disrupt COL4A5 protein function with a negative predictive value of 95%. In summary, the available evidence is currently insufficient to determine the role of this variant in disease. Therefore, it has been classified as a Variant of Uncertain Significance.

Ambry Genetics
Classification: Uncertain significance for Inborn genetic diseases. Last evaluated: 2025-03-31. Review status: criteria provided, single submitter. Criteria: Ambry Variant Classification Scheme 2023. Collection method: clinical testing. Allele origin: germline.